The following is an entry in ClinVar:

ClinVar aggregate classification (germline): Uncertain significance (1 of 4 stars; one submission).

Allele frequency attached by ClinVar (database versions not stated): gnomAD exomes below 0.00001; gnomAD 0.00001.
gnomAD v4.1: 3 of 1,612,244 alleles (0.00019%); highest among the groups gnomAD compares: Admixed American, 0.0033%; no homozygotes.

Submission:

Labcorp Genetics (formerly Invitae), Labcorp
Classification: Uncertain significance. Last evaluated: 2024-11-05. Review status: criteria provided, single submitter. Criteria: Invitae Variant Classification Sherloc (09022015). Collection method: clinical testing. Allele origin: germline.
Comment: This sequence change replaces leucine with valine at codon 1305 of the COL18A1 protein (p.Leu1305Val). There is a small physicochemical difference between leucine and valine. This variant is present in population databases (no rsID available, gnomAD 0.0009%). This variant has not been reported in the literature in individuals affected with COL18A1-related conditions. ClinVar contains an entry for this variant (Variation ID: 1444558). Experimental studies and prediction algorithms are not available or were not evaluated, and the functional significance of this variant is currently unknown. In summary, the available evidence is currently insufficient to determine the role of this variant in disease. Therefore, it has been classified as a Variant of Uncertain Significance.

NM_001379500.1(COL18A1):c.3922C>G (p.Leu1308Val)

Genes: COL18A1 (collagen type XVIII alpha 1 chain; plus strand), SLC19A1 (solute carrier family 19 member 1; minus strand). Cytogenetic location: 21q22.3.
Variant type: single nucleotide variant.
Coding change: c.3922C>G on transcript NM_001379500.1 (MANE Select); coding-DNA position 3922, C replaced by G.
Protein change: p.Leu1308Val; replaces leucine 1308 with valine.
Molecular consequence: missense variant.
Genome position (GRCh38, 1-based): chr21:45,512,300, C>G. VCF-style: chr21-45512300-C-G. GRCh37 (hg19) VCF-style: chr21-46932214-C-G.
Other names: c.4453C>G, p.Leu1485Val (NM_030582.4); c.5158C>G, p.Leu1720Val (NM_130444.3); short protein forms L1485V, L1720V, L1308V.
Identifiers: ClinVar variation 1444558 (VCV001444558.5), dbSNP rs899036619, ClinGen allele CA321927277.